The following is an entry in ClinVar:

ClinVar aggregate classification (germline): Uncertain significance (1 of 4 stars; one submission).

Conditions:
Inborn genetic diseases. Identifiers: MedGen C0950123, MeSH D030342.

Submission:

Ambry Genetics
Classification: Uncertain significance for Inborn genetic diseases. Last evaluated: 2026-06-09. Review status: criteria provided, single submitter. Criteria: Ambry Variant Classification Scheme 2023. Collection method: clinical testing. Allele origin: germline.
Comment: The p.T261A variant (also known as c.781A>G) is located in coding exon 7 of the PAX5 gene. The threonine at codon 261 is replaced by alanine, an amino acid with similar properties. This change occurs in the first base pair of coding exon 7. This amino acid position is conserved. In addition, this alteration is predicted to be deleterious by in silico analysis. Based on the available evidence, the clinical significance of this variant remains unclear.

NM_016734.3(PAX5):c.781A>G (p.Thr261Ala)

Gene: PAX5 (paired box 5; minus strand). Cytogenetic location: 9p13.2.
Variant type: single nucleotide variant.
Coding change: c.781A>G on transcript NM_016734.3 (MANE Select); coding-DNA position 781, A replaced by G.
Protein change: p.Thr261Ala; replaces threonine 261 with alanine.
Molecular consequence: missense variant. On other transcripts: intron variant (2).
Genome position (GRCh38, 1-based): chr9:36,923,484, T>C on the plus strand (A>G on the coding strand, the complement: PAX5 is on the minus strand). VCF-style: chr9-36923484-T-C. GRCh37 (hg19) VCF-style: chr9-36923481-T-C.
Other names: c.781A>G, p.Thr261Ala (NM_001280547.2, NM_001280548.2, NM_001280552.2); c.457A>G, p.Thr153Ala (NM_001280551.2, NM_001280556.2); c.652A>G, p.Thr218Ala (NM_001280553.2, NM_001280554.2); c.583A>G, p.Thr195Ala (NM_001280555.2); c.780+43065A>G (NM_001280550.2, NM_001280549.2); short protein forms T153A, T195A, T218A, T261A.
Identifiers: ClinVar variation 4861627 (VCV004861627.1).
Genomic context (GRCh38, chr9:36,923,484, plus strand): 5'-GATTGGCCTTCATGTCGTCCAGCCCACCAGCCAGCGAGGCCATGGCTGAATACTCTGTGG[T>C]CTGAAAGAAGAAACAGAGACGTCTCAGCACCAAGACTCCACAGTACCTTAGTCAAATGCC-3'
Protein context (NP_057953.1, residues 251-271): TTTEPIKPEQ[Thr261Ala]TEYSAMASLA